The following is an entry in ClinVar:

NM_000548.5(TSC2):c.2639A>G (p.Lys880Arg)

Gene: TSC2 (TSC complex subunit 2; plus strand). Cytogenetic location: 16p13.3.
Variant type: single nucleotide variant.
Coding change: c.2639A>G on transcript NM_000548.5 (MANE Select); coding-DNA position 2639, A replaced by G.
Protein change: p.Lys880Arg; replaces lysine 880 with arginine.
Molecular consequence: missense variant.
Genome position (GRCh38, 1-based): chr16:2,075,892, A>G. VCF-style: chr16-2075892-A-G. GRCh37 (hg19) VCF-style: chr16-2125893-A-G.
Other names: c.2639A>G, p.Lys880Arg (NM_001077183.3, NM_001114382.3, NM_001363528.2 and 3 more transcripts); c.2528A>G, p.Lys843Arg (NM_001318827.2); c.2492A>G, p.Lys831Arg (NM_001318829.2); c.2039A>G, p.Lys680Arg (NM_001318831.2); c.2672A>G, p.Lys891Arg (NM_001318832.2); short protein forms K680R, K831R, K891R, K843R, K880R.
Identifiers: ClinVar variation 947641 (VCV000947641.11), dbSNP rs2089276233, ClinGen allele CA394278487.

ClinVar aggregate classification (germline): Conflicting classifications of pathogenicity. Review status: criteria provided, conflicting classifications (1 of 4 stars). 4 submissions from 4 submitters: Uncertain significance (3); Likely benign (1). Last evaluated 2025-11-17.

Conditions:
Hereditary cancer-predisposing syndrome. Also called: Neoplastic Syndromes, Hereditary; Hereditary neoplastic syndrome; Hereditary Cancer Syndrome; Tumor predisposition. Identifiers: Orphanet 140162, MedGen C0027672, MeSH D009386, MONDO:0015356.
Tuberous sclerosis syndrome (TSC). Also called: Tuberous Sclerosis Complex; Tuberous sclerosis. Identifiers: Orphanet 805, MedGen C0041341, MONDO:0001734.
Tuberous sclerosis 2 (TSC2). Identifiers: Orphanet 805, MedGen C1860707, MONDO:0013199, OMIM 613254.

Allele frequency attached by ClinVar (database versions not stated): gnomAD exomes below 0.00001.
gnomAD v4.1: 3 of 1,613,068 alleles (0.00019%); highest among the groups gnomAD compares: African/African-American, 0.0013%; no homozygotes.

Submissions (4):

Labcorp Genetics (formerly Invitae), Labcorp
Classification: Likely benign for Tuberous sclerosis 2. Last evaluated: 2025-11-17. Review status: criteria provided, single submitter. Criteria: Invitae Variant Classification Sherloc (09022015). Collection method: clinical testing. Allele origin: germline.

GeneDx
Classification: Uncertain significance. Last evaluated: 2024-03-27. Review status: criteria provided, single submitter. Criteria: GeneDx Variant Classification Process June 2021. Collection method: clinical testing. Allele origin: germline. Affected: yes.
Comment: Not observed at significant frequency in large population cohorts (gnomAD); In silico analysis supports that this missense variant does not alter protein structure/function; Has not been previously published as pathogenic or benign to our knowledge

All of Us Research Program, National Institutes of Health
Classification: Uncertain significance for Tuberous sclerosis syndrome. Last evaluated: 2023-10-06. Review status: criteria provided, single submitter. Criteria: ACMG Guidelines, 2015. Collection method: clinical testing. Allele origin: germline. Inheritance: Autosomal dominant inheritance. Observed: 1 variant allele, 1 heterozygote.
Comment: This missense variant replaces lysine with arginine at codon 880 of the TSC2 protein. Computational prediction is inconclusive regarding the impact of this variant on protein structure and function (internally defined REVEL score threshold 0.5 < inconclusive < 0.7, PMID: 27666373). To our knowledge, functional studies have not been reported for this variant. This variant has not been reported in individuals affected with TSC2-related disorders in the literature. This variant has not been identified in the general population by the Genome Aggregation Database (gnomAD). The available evidence is insufficient to determine the role of this variant in disease conclusively. Therefore, this variant is classified as a Variant of Uncertain Significance.

This study involves interpretation of variants in research participants for the purpose of population health screening. Participant phenotype was not available at the time of variant classification. Additional details can be found in publication PMID: 35346344, PMCID: PMC8962531

Ambry Genetics
Classification: Uncertain significance for Hereditary cancer-predisposing syndrome. Last evaluated: 2022-12-16. Review status: criteria provided, single submitter. Criteria: Ambry Variant Classification Scheme 2023. Collection method: clinical testing. Allele origin: germline.
Comment: The c.2639A>G variant (also known as p.K880R), located in coding exon 22 of the TSC2 gene, results from an A to G substitution at nucleotide position 2639. The amino acid change results in lysine to arginine at codon 880, an amino acid with highly similar properties. This amino acid position is highly conserved in available vertebrate species. In addition, this alteration is predicted to be deleterious by in silico analysis. However, this change occurs in the last base pair of coding exon 22, which makes it likely to have some effect on normal mRNA splicing. RNA studies have demonstrated that this alteration does not result in abnormal splicing in the set of samples tested (Ambry internal data). Since supporting evidence is limited at this time, the clinical significance of this alteration remains unclear.